The following is an entry in ClinVar:

NM_007227.3(GPR45):c.229G>T (p.Ala77Ser)

Gene: GPR45 (G protein-coupled receptor 45; plus strand). Cytogenetic location: 2q12.1.
Variant type: single nucleotide variant.
Coding change: c.229G>T on transcript NM_007227.3 (MANE Select); coding-DNA position 229, G replaced by T.
Protein change: p.Ala77Ser; replaces alanine 77 with serine.
Molecular consequence: missense variant.
Genome position (GRCh38, 1-based): chr2:105,242,087, G>T. VCF-style: chr2-105242087-G-T. GRCh37 (hg19) VCF-style: chr2-105858544-G-T.
Other names: short protein forms A77S.
Identifiers: ClinVar variation 1438315 (VCV001438315.8), dbSNP rs189330575, ClinGen allele CA1813543.
Genomic context (GRCh38, chr2:105,242,087, plus strand): 5'-ATCATCGTGTACCAGAGGCCGGCTATGCGCTCGGCCATCAACCTGCTGCTGGCCACCCTG[G>T]CCTTCTCCGACATCATGCTGTCCCTCTGCTGCATGCCCTTCACCGCCGTCACCCTCATCA-3'
Protein context (NP_009158.3, residues 67-87): SAINLLLATL[Ala77Ser]FSDIMLSLCC

ClinVar aggregate classification (germline): Uncertain significance. Review status: criteria provided, multiple submitters, no conflicts (2 of 4 stars). 2 submissions from 2 submitters: Uncertain significance (2). Last evaluated 2025-11-12.

Allele frequency attached by ClinVar (database versions not stated): ExAC 0.00003; gnomAD 0.00003; TOPMed 0.00007; gnomAD exomes 0.00011; 1000 Genomes Project 0.00020; 1000 Genomes Project 30x 0.00031.

Submissions (2):

Labcorp Genetics (formerly Invitae), Labcorp
Classification: Uncertain significance. Last evaluated: 2025-11-12. Review status: criteria provided, single submitter. Criteria: Invitae Variant Classification Sherloc (09022015). Collection method: clinical testing. Allele origin: germline.
Comment: This sequence change replaces alanine, which is neutral and non-polar, with serine, which is neutral and polar, at codon 77 of the GPR45 protein (p.Ala77Ser). This variant is present in population databases (rs189330575, gnomAD 0.07%), and has an allele count higher than expected for a pathogenic variant. This variant has not been reported in the literature in individuals affected with GPR45-related conditions. ClinVar contains an entry for this variant (Variation ID: 1438315). An algorithm developed to predict the effect of missense changes on protein structure and function (PolyPhen-2) suggests that this variant is likely to be disruptive. In summary, the available evidence is currently insufficient to determine the role of this variant in disease. Therefore, it has been classified as a Variant of Uncertain Significance.

Ambry Genetics
Classification: Uncertain significance. Last evaluated: 2024-09-27. Review status: criteria provided, single submitter. Criteria: Ambry Variant Classification Scheme 2023. Collection method: clinical testing. Allele origin: germline.